The following is an entry in ClinVar:

NM_000094.4(COL7A1):c.4809_4816del (p.Gly1604fs)

Gene: COL7A1 (collagen type VII alpha 1 chain; minus strand). Cytogenetic location: 3p21.31.
Variant type: Deletion.
Coding change: c.4809_4816del on transcript NM_000094.4 (MANE Select); coding-DNA positions 4809 to 4816, 8 bases deleted (AGGACCCC; older notation c.4809_4816delAGGACCCC).
Protein change: p.Gly1604fs; shifts the reading frame from glycine 1604.
Molecular consequence: frameshift variant.
Genome position (GRCh38, 1-based): chr3:48,581,450-48,581,457, GGGGTCCT deleted on the plus strand (AGGACCCC on the coding strand, the reverse complement: COL7A1 is on the minus strand); deleting any 8 consecutive bases within chr3:48,581,450-48,581,458 gives the same sequence; the c. name uses the placement nearest the transcript's 3' end. VCF-style (leftmost placement, unchanged base first): chr3-48581449-GGGGGTCCT-G. GRCh37 (hg19) VCF-style: chr3-48618882-GGGGGTCCT-G.
Other names: c.4808_4815delCAGGACCC, p.Gly1604Argfs (NM_000094.3); short protein forms G1604fs.
Identifiers: ClinVar variation 4065265 (VCV004065265.2).

ClinVar aggregate classification (germline): Likely pathogenic (1 of 4 stars; one submission).

Conditions:
Epidermolysis bullosa dystrophica. Also called: Dystrophic epidermolysis bullosa, Hallopeau-Siemens type (formerly); Dystrophic epidermolysis bullosa. Identifiers: Orphanet 303, MedGen C0079294, MONDO:0006543.

Submission:

Natera, Inc.
Classification: Likely pathogenic for Dystrophic epidermolysis bullosa. Last evaluated: 2025-02-04. Review status: criteria provided, single submitter. Criteria: Natera Variant Classification Schema (03/2026). Collection method: clinical testing. Allele origin: germline.
Comment: The c.4809_4816del variant in COL7A1 is a frameshift variant predicted to shift the reading frame beginning at codon 1604 and leads to a stop codon 2 codons downstream. This variant is expected to result in nonsense mediated decay, truncation, or a dysfunctional protein product. This variant is rare in the general population with a frequency below the threshold expected for the associated phenotype(s). Given the available evidence, this variant is classified as Likely Pathogenic.